The following is an entry in ClinVar:

NM_001171.6(ABCC6):c.2236A>G (p.Ile746Val)

Gene: ABCC6 (ATP binding cassette subfamily C member 6; minus strand). Cytogenetic location: 16p13.11.
Variant type: single nucleotide variant.
Coding change: c.2236A>G on transcript NM_001171.6 (MANE Select); coding-DNA position 2236, A replaced by G.
Protein change: p.Ile746Val; replaces isoleucine 746 with valine.
Molecular consequence: missense variant. On other transcripts: non-coding transcript variant (4).
Genome position (GRCh38, 1-based): chr16:16,182,423, T>C on the plus strand (A>G on the coding strand, the complement: ABCC6 is on the minus strand). VCF-style: chr16-16182423-T-C. GRCh37 (hg19) VCF-style: chr16-16276280-T-C.
Other names: c.1894A>G, p.Ile632Val (NM_001351800.1); c.2236A>G, p.Ile746Val (NM_001440309.1, NM_001440310.1); short protein forms I632V, I746V.
Identifiers: ClinVar variation 4773084 (VCV004773084.1).

ClinVar aggregate classification (germline): Uncertain significance (1 of 4 stars; one submission).

gnomAD v4.1: 2 of 1,613,730 alleles (0.00012%); highest among the groups gnomAD compares: East Asian, 0.0022%; no homozygotes.

Submission:

Labcorp Genetics (formerly Invitae), Labcorp
Classification: Uncertain significance. Last evaluated: 2025-11-06. Review status: criteria provided, single submitter. Criteria: Invitae Variant Classification Sherloc (09022015). Collection method: clinical testing. Allele origin: germline.
Comment: This sequence change replaces isoleucine, which is neutral and non-polar, with valine, which is neutral and non-polar, at codon 746 of the ABCC6 protein (p.Ile746Val). The frequency data for this variant in the population databases is considered unreliable, as metrics indicate poor data quality at this position in the gnomAD database. This variant has not been reported in the literature in individuals affected with ABCC6-related conditions. Invitae Evidence Modeling of protein sequence and biophysical properties (such as structural, functional, and spatial information, amino acid conservation, physicochemical variation, residue mobility, and thermodynamic stability) indicates that this missense variant is not expected to disrupt ABCC6 protein function with a negative predictive value of 80%. In summary, the available evidence is currently insufficient to determine the role of this variant in disease. Therefore, it has been classified as a Variant of Uncertain Significance.